The following is an entry in ClinVar:

ClinVar aggregate classification (germline): Uncertain significance (1 of 4 stars; one submission).

Conditions:
Familial acute necrotizing encephalopathy (IIAE3). Also called: ENCEPHALOPATHY, ACUTE, INFECTION-INDUCED, SUSCEPTIBILITY TO, 3; Susceptibility to Acute Necrotizing Encephalopathy 1. Identifiers: Orphanet 88619, MedGen C2675556, MONDO:0011953, OMIM 608033.

Allele frequency attached by ClinVar (database versions not stated): gnomAD 0.00004; TOPMed 0.00004.
gnomAD v4.1: 49 of 1,611,766 alleles (0.003%); highest among the groups gnomAD compares: African/African-American, 0.008%; no homozygotes.

Submission:

Labcorp Genetics (formerly Invitae), Labcorp
Classification: Uncertain significance for Familial acute necrotizing encephalopathy. Last evaluated: 2024-10-22. Review status: criteria provided, single submitter. Criteria: Invitae Variant Classification Sherloc (09022015). Collection method: clinical testing. Allele origin: germline.
Comment: This sequence change replaces serine, which is neutral and polar, with arginine, which is basic and polar, at codon 2050 of the RANBP2 protein (p.Ser2050Arg). This variant is present in population databases (rs758206047, gnomAD 0.01%). This variant has not been reported in the literature in individuals affected with RANBP2-related conditions. ClinVar contains an entry for this variant (Variation ID: 972047). Invitae Evidence Modeling of protein sequence and biophysical properties (such as structural, functional, and spatial information, amino acid conservation, physicochemical variation, residue mobility, and thermodynamic stability) indicates that this missense variant is not expected to disrupt RANBP2 protein function with a negative predictive value of 80%. In summary, the available evidence is currently insufficient to determine the role of this variant in disease. Therefore, it has been classified as a Variant of Uncertain Significance.

NM_006267.5(RANBP2):c.6150T>G (p.Ser2050Arg)

Gene: RANBP2 (RAN binding protein 2; plus strand). Cytogenetic location: 2q13.
Variant type: single nucleotide variant.
Coding change: c.6150T>G on transcript NM_006267.5 (MANE Select); coding-DNA position 6150, T replaced by G.
Protein change: p.Ser2050Arg; replaces serine 2050 with arginine.
Molecular consequence: missense variant.
Genome position (GRCh38, 1-based): chr2:108,766,689, T>G. VCF-style: chr2-108766689-T-G. GRCh37 (hg19) VCF-style: chr2-109383145-T-G.
Other names: short protein forms S2050R.
Identifiers: ClinVar variation 972047 (VCV000972047.10), dbSNP rs758206047, ClinGen allele CA1823402.